The following is an entry in ClinVar:

NM_000138.5(FBN1):c.2596A>G (p.Ile866Val)

Gene: FBN1 (fibrillin 1; minus strand). Cytogenetic location: 15q21.1.
Variant type: single nucleotide variant.
Coding change: c.2596A>G on transcript NM_000138.5 (MANE Select); coding-DNA position 2596, A replaced by G.
Protein change: p.Ile866Val; replaces isoleucine 866 with valine.
Molecular consequence: missense variant.
Genome position (GRCh38, 1-based): chr15:48,495,204, T>C on the plus strand (A>G on the coding strand, the complement: FBN1 is on the minus strand). VCF-style: chr15-48495204-T-C. GRCh37 (hg19) VCF-style: chr15-48787401-T-C.
Other names: p.I866V:ATC>GTC; short protein forms I866V.
Identifiers: ClinVar variation 200182 (VCV000200182.7), dbSNP rs794728329, ClinGen allele CA013230.

ClinVar aggregate classification (germline): Conflicting classifications of pathogenicity. Review status: criteria provided, conflicting classifications (1 of 4 stars). 3 submissions from 3 submitters: Uncertain significance (2); Likely benign (1). Last evaluated 2025-12-16.

Conditions:
Marfan syndrome (MFS). Also called: MARFAN SYNDROME, TYPE I; FBN1-Related Marfan Syndrome; Marfan syndrome, classic; Marfan syndrome type 1; Marfan's syndrome. Identifiers: Orphanet 284963, Orphanet 558, MedGen C0024796, MONDO:0007947, OMIM 154700.
Familial thoracic aortic aneurysm and aortic dissection (TAAD). Also called: Thoracic aortic aneurysms and dissections. Identifiers: Orphanet 91387, MedGen C4707243, MONDO:0019625.

Allele frequency attached by ClinVar (database versions not stated): gnomAD exomes below 0.00001; gnomAD 0.00004 and 0.00003; TOPMed 0.00003.
gnomAD v4.1: 7 of 1,614,082 alleles (0.00043%); highest among the groups gnomAD compares: African/African-American, 0.0093%; no homozygotes.

Submissions (3):

Ambry Genetics
Classification: Uncertain significance for Familial thoracic aortic aneurysm and aortic dissection. Last evaluated: 2025-12-16. Review status: criteria provided, single submitter. Criteria: Ambry Variant Classification Scheme 2023. Collection method: clinical testing. Allele origin: germline.
Comment: The p.I866V variant (also known as c.2596A>G), located in coding exon 21 of the FBN1 gene, results from an A to G substitution at nucleotide position 2596. The isoleucine at codon 866 is replaced by valine, an amino acid with highly similar properties. This amino acid position is conserved. In addition, the in silico prediction for this alteration is inconclusive. Based on the available evidence, the clinical significance of this variant remains unclear.

Labcorp Genetics (formerly Invitae), Labcorp
Classification: Likely benign for Marfan syndrome; Familial thoracic aortic aneurysm and aortic dissection. Last evaluated: 2024-12-12. Review status: criteria provided, single submitter. Criteria: Invitae Variant Classification Sherloc (09022015). Collection method: clinical testing. Allele origin: germline.

GeneDx
Classification: Uncertain significance. Last evaluated: 2014-11-11. Review status: criteria provided, single submitter. Criteria: GeneDx Variant Classification (06012015). Collection method: clinical testing. Allele origin: germline. Affected: yes.
Comment: p.Ile866Val (ATC>GTC): c.2596 A>G in exon 22 of the FBN1 gene (NM_000138.4) A variant of unknown significance has been identified in the FBN1 gene. The I866V variant has not been published as a mutation, nor has it been reported as a benign polymorphism to our knowledge. The I866V variant was not observed in approximately 6,500 individuals of European and African American ancestry in the NHLBI Exome Sequencing Project, indicating it is not a common benign variant in these populations. The I866V variant is a conservative amino acid substitution, which is not likely to impact secondary protein structure as these residues share similar properties. This substitution occurs at a position that is conserved across species. Missense mutations in nearby residues (C862R, C875R) have been reported in association with Marfan syndrome, supporting the functional importance of this region of the protein. Nevertheless, in silico analysis is inconsistent in its predictions as to whether or not the variant is damaging to the protein structure/function. Therefore, based on the currently available information, it is unclear whether this variant is a pathogenic mutation or a rare benign variant. The variant is found in TAAD panel(s).